The following is an entry in ClinVar:

NM_147127.5(EVC2):c.1886+5C>A

Gene: EVC2 (EvC ciliary complex subunit 2; minus strand). Cytogenetic location: 4p16.2.
Variant type: single nucleotide variant.
Coding change: c.1886+5C>A on transcript NM_147127.5 (MANE Select); 5 bases into the intron after coding-DNA position 1886, C replaced by A.
Molecular consequence: intron variant.
Genome position (GRCh38, 1-based): chr4:5,628,554, G>T on the plus strand (C>A on the coding strand, the complement: EVC2 is on the minus strand). VCF-style: chr4-5628554-G-T. GRCh37 (hg19) VCF-style: chr4-5630281-G-T.
Other names: c.1886+5C>A (NM_147127.4); c.1646+5C>A (NM_001166136.2).
Identifiers: ClinVar variation 4788747 (VCV004788747.2).

ClinVar aggregate classification (germline): Conflicting classifications of pathogenicity. Review status: criteria provided, conflicting classifications (1 of 4 stars). 2 submissions from 2 submitters: Uncertain significance (1); Likely benign (1). Last evaluated 2025-12-12.

Conditions:
EVC2-related disorder. Also called: EVC2-related condition.
Ellis-van Creveld syndrome (EVC). Also called: Chondroectodermal dysplasia; MESOECTODERMAL DYSPLASIA. Identifiers: Orphanet 289, MedGen C0013903, MONDO:0009162, OMIM 225500.
Curry-Hall syndrome (WAD). Also called: WEYERS ACRODENTAL DYSOSTOSIS. Identifiers: Orphanet 952, MedGen C0457013, MONDO:0008673, OMIM 193530.

gnomAD v4.1: 3 of 1,614,030 alleles (0.00019%); highest among the groups gnomAD compares: Admixed American, 0.0017%; no homozygotes.

Submissions (2):

Labcorp Genetics (formerly Invitae), Labcorp
Classification: Uncertain significance for Curry-Hall syndrome; Ellis-van Creveld syndrome. Last evaluated: 2025-12-12. Review status: criteria provided, single submitter. Criteria: Invitae Variant Classification Sherloc (09022015). Collection method: clinical testing. Allele origin: germline.
Comment: This sequence change falls in intron 12 of the EVC2 gene. It does not directly change the encoded amino acid sequence of the EVC2 protein. It affects a nucleotide within the consensus splice site. This variant is present in population databases (no rsID available, gnomAD 0.003%). This variant has not been reported in the literature in individuals affected with EVC2-related conditions. Variants that disrupt the consensus splice site are a relatively common cause of aberrant splicing (PMID: 17576681, 9536098). Algorithms developed to predict the effect of sequence changes on RNA splicing suggest that this variant is not likely to affect RNA splicing. In summary, the available evidence is currently insufficient to determine the role of this variant in disease. Therefore, it has been classified as a Variant of Uncertain Significance.

PreventionGenetics, part of Exact Sciences
Classification: Likely benign for EVC2-related condition. Last evaluated: 2025-03-27. Review status: criteria provided, single submitter. Criteria: ACMG Guidelines, 2015. Collection method: clinical testing. Allele origin: germline.
Comment: This variant is classified as likely benign based on ACMG/AMP sequence variant interpretation guidelines (Richards et al. 2015 PMID: 25741868, with internal and published modifications).

Literature cited by the submitters: PubMed 17576681 (cited by Labcorp Genetics (formerly Invitae), Labcorp); PubMed 9536098 (cited by Labcorp Genetics (formerly Invitae), Labcorp).